The following is an entry in ClinVar:

ClinVar aggregate classification (germline): Pathogenic (1 of 4 stars; one submission).
ClinVar aggregate classification (oncogenicity): Likely oncogenic (1 of 4 stars; one submission).

Conditions:
Hereditary diffuse gastric adenocarcinoma (HDGC). Also called: DIFFUSE GASTRIC AND LOBULAR BREAST CANCER SYNDROME. Identifiers: Orphanet 26106, MedGen C1708349, MONDO:0007648, OMIM 137215.
Neoplasm. Also called: Neoplasms; Neoplasm (disease); tumor. Identifiers: MedGen C0027651, MeSH D009369, MONDO:0005070, HP:0002664.

Submissions (2):

Center for Genomic Medicine, Rigshospitalet, Copenhagen University Hospital
Classification: Likely oncogenic for Neoplasm. Last evaluated: 2025-03-04. Review status: criteria provided, single submitter. Criteria: ClinGen/CGC/VICC Guidelines for Oncogenicity, 2022. Collection method: clinical testing. Allele origin: somatic. Affected: yes.

Labcorp Genetics (formerly Invitae), Labcorp
Classification: Pathogenic for Hereditary diffuse gastric adenocarcinoma. Last evaluated: 2019-12-06. Review status: criteria provided, single submitter. Criteria: Invitae Variant Classification Sherloc (09022015). Collection method: clinical testing. Allele origin: germline.
Comment: For these reasons, this variant has been classified as Pathogenic. This variant disrupts the C-terminus of the CDH1 protein. Other variant(s) that disrupt this region (p.Pro826Alafs*3) have been determined to be pathogenic (PMID: 22850631, 17261850, 10037790, 29798843). This suggests that variants that disrupt this region of the protein are likely to be causative of disease. This variant has not been reported in the literature in individuals with CDH1-related conditions. This variant is not present in population databases (ExAC no frequency). This sequence change results in a premature translational stop signal in the CDH1 gene (p.Tyr797Leufs*10). While this is not anticipated to result in nonsense mediated decay, it is expected to disrupt the last 86 amino acids of the CDH1 protein.

Literature cited by the submitters: PubMed 26901067 (cited by Center for Genomic Medicine, Rigshospitalet, Copenhagen University Hospital); PubMed 22850631 (cited by Labcorp Genetics (formerly Invitae), Labcorp); PubMed 17261850 (cited by Labcorp Genetics (formerly Invitae), Labcorp); PubMed 10037790 (cited by Labcorp Genetics (formerly Invitae), Labcorp); PubMed 29798843 (cited by Labcorp Genetics (formerly Invitae), Labcorp).

NM_004360.5(CDH1):c.2389dup (p.Tyr797fs)

Gene: CDH1 (cadherin 1; plus strand). Cytogenetic location: 16q22.1.
Variant type: Duplication.
Coding change: c.2389dup on transcript NM_004360.5 (MANE Select); coding-DNA position 2389, one base duplicated (T; older notation c.2389dupT).
Protein change: p.Tyr797fs; shifts the reading frame from tyrosine 797.
Molecular consequence: frameshift variant.
Genome position (GRCh38, 1-based): chr16:68,829,747, T duplicated. VCF-style (leftmost placement, unchanged base first): chr16-68829746-G-GT. GRCh37 (hg19) VCF-style: chr16-68863649-G-GT.
Other names: c.2206dup, p.Tyr736fs (NM_001317184.2); c.841dup, p.Tyr281fs (NM_001317185.2); c.424dup, p.Tyr142fs (NM_001317186.2); c.2389dupT (NM_004360.5); short protein forms Y736fs, Y281fs, Y797fs, Y142fs.
Identifiers: ClinVar variation 855718 (VCV000855718.11), dbSNP rs1961431691, ClinGen allele CA916081846.